The following is an entry in ClinVar:

NM_020708.5(SLC12A5):c.1492dup (p.Ala498fs)

Gene: SLC12A5 (solute carrier family 12 member 5; plus strand). Cytogenetic location: 20q13.12.
Variant type: Duplication.
Coding change: c.1492dup on transcript NM_020708.5 (MANE Select); coding-DNA position 1492, one base duplicated (G; older notation c.1492dupG).
Protein change: p.Ala498fs; shifts the reading frame from alanine 498.
Molecular consequence: frameshift variant.
Genome position (GRCh38, 1-based): chr20:46,045,063, G duplicated; the last of 4 consecutive G bases (chr20:46,045,060-46,045,063); duplicating any one gives the same sequence. VCF-style (leftmost placement, unchanged base first): chr20-46045059-T-TG. GRCh37 (hg19) VCF-style: chr20-44673698-T-TG.
Other names: c.1561dup, p.Ala521fs (NM_001134771.2); short protein forms A498fs, A521fs.
Identifiers: ClinVar variation 1071231 (VCV001071231.7), dbSNP rs2145493702, ClinGen allele CA2499225771.

ClinVar aggregate classification (germline): Pathogenic (1 of 4 stars; one submission).

Conditions:
Developmental and epileptic encephalopathy, 34 (DEE34). Also called: Early infantile epileptic encephalopathy 34; SLC12A5-Related Epilepsy of Infancy with Migrating Focal Seizures. Identifiers: Orphanet 293181, MedGen C4225257, MONDO:0014718, OMIM 616645.

Submission:

Labcorp Genetics (formerly Invitae), Labcorp
Classification: Pathogenic for Developmental and epileptic encephalopathy, 34. Last evaluated: 2024-03-22. Review status: criteria provided, single submitter. Criteria: Invitae Variant Classification Sherloc (09022015). Collection method: clinical testing. Allele origin: germline.
Comment: This sequence change creates a premature translational stop signal (p.Ala498Glyfs*136) in the SLC12A5 gene. It is expected to result in an absent or disrupted protein product. Loss-of-function variants in SLC12A5 are known to be pathogenic (PMID: 26333769, 27436767). This variant is not present in population databases (gnomAD no frequency). This variant has not been reported in the literature in individuals affected with SLC12A5-related conditions. ClinVar contains an entry for this variant (Variation ID: 1071231). Algorithms developed to predict the effect of sequence changes on RNA splicing suggest that this variant may create or strengthen a splice site. For these reasons, this variant has been classified as Pathogenic.

Literature cited by the submitters: PubMed 26333769; PubMed 27436767.